The following is an entry in ClinVar:

NM_001035.3(RYR2):c.6022+81C>T

Gene: RYR2 (ryanodine receptor 2; plus strand). Cytogenetic location: 1q43.
Variant type: single nucleotide variant.
Coding change: c.6022+81C>T on transcript NM_001035.3 (MANE Select); 81 bases into the intron after coding-DNA position 6022, C replaced by T.
Molecular consequence: intron variant.
Genome position (GRCh38, 1-based): chr1:237,623,951, C>T. VCF-style: chr1-237623951-C-T. GRCh37 (hg19) VCF-style: chr1-237787251-C-T.
Other names: NC_000001.10:g.237787251C>T.
Identifiers: ClinVar variation 672920 (VCV000672920.3), dbSNP rs114118501, ClinGen allele CA39837041.

ClinVar aggregate classification (germline): Benign. Review status: criteria provided, multiple submitters, no conflicts (2 of 4 stars). 2 submissions from 2 submitters: Benign (2). Last evaluated 2018-06-16.

Allele frequency attached by ClinVar (database versions not stated): gnomAD 0.03010 and 0.02789; TOPMed 0.03228; 1000 Genomes Project 0.03275; 1000 Genomes Project 30x 0.03701.
gnomAD v4.1: 6,533 of 886,970 alleles (0.74%); highest among the groups gnomAD compares: African/African-American, 9.4%; 253 homozygotes.

Submissions (4):

GeneDx
Classification: Benign. Last evaluated: 2018-06-16. Review status: criteria provided, single submitter. Criteria: GeneDx Variant Classification (06012015). Collection method: clinical testing. Allele origin: germline. Affected: yes.
Comment: This variant is considered likely benign or benign based on one or more of the following criteria: it is a conservative change, it occurs at a poorly conserved position in the protein, it is predicted to be benign by multiple in silico algorithms, and/or has population frequency not consistent with disease.

Breakthrough Genomics
Classification: Benign. Review status: criteria provided, single submitter. Criteria: ACMG Guidelines, 2015. Collection method: not provided. Allele origin: germline. Inheritance: Autosomal dominant inheritance. Affected: yes.

Dr. Peter K. Rogan Lab, Western University
No classification provided (evidence only). Condition: Sarcoma. Review status: no classification provided. Collection method: in vitro. Allele origin: not applicable. Functional consequence: skipped exon, retained intron. Not counted in ClinVar's aggregate classification.

Dr. Peter K. Rogan Lab, Western University
No classification provided (evidence only). Condition: Sarcoma. Review status: no classification provided. Collection method: in vitro. Allele origin: not applicable. Functional consequence: skipped exon. Not counted in ClinVar's aggregate classification.